The following is an entry in ClinVar:

NM_020066.5(FMN2):c.3048A>G (p.Gly1016=)

Gene: FMN2 (formin 2; plus strand). Cytogenetic location: 1q43.
Variant type: single nucleotide variant.
Coding change: c.3048A>G on transcript NM_020066.5 (MANE Select); coding-DNA position 3048, A replaced by G.
Protein change: p.Gly1016=; no amino-acid change (glycine 1016 retained).
Molecular consequence: synonymous variant. On other transcripts: intron variant (1).
Genome position (GRCh38, 1-based): chr1:240,207,860, A>G. VCF-style: chr1-240207860-A-G. GRCh37 (hg19) VCF-style: chr1-240371160-A-G.
Other names: c.3060A>G, p.Gly1020= (NM_001305424.2); c.1986+19598A>G (NM_001348094.2).
Identifiers: ClinVar variation 3036746 (VCV003036746.1), dbSNP rs747328622, ClinGen allele CA1477003.

ClinVar aggregate classification (germline): Likely benign (1 of 4 stars; one submission).

Conditions:
FMN2-related disorder. Also called: FMN2-related condition.

Allele frequency attached by ClinVar (database versions not stated): ExAC 0.00004; gnomAD exomes 0.00013.

Submission:

PreventionGenetics, part of Exact Sciences
Classification: Likely benign for FMN2-related condition. Last evaluated: 2021-11-24. Review status: criteria provided, single submitter. Criteria: ACMG Guidelines, 2015. Collection method: clinical testing. Allele origin: germline.
Comment: This variant is classified as likely benign based on ACMG/AMP sequence variant interpretation guidelines (Richards et al. 2015 PMID: 25741868, with internal and published modifications).